The following is an entry in ClinVar:

NM_139318.5(KCNH5):c.222C>G (p.Asp74Glu)

Gene: KCNH5 (potassium voltage-gated channel subfamily H member 5; minus strand). Cytogenetic location: 14q23.2.
Variant type: single nucleotide variant.
Coding change: c.222C>G on transcript NM_139318.5 (MANE Select); coding-DNA position 222, C replaced by G.
Protein change: p.Asp74Glu; replaces aspartic acid 74 with glutamic acid.
Molecular consequence: missense variant.
Genome position (GRCh38, 1-based): chr14:63,006,448, G>C on the plus strand (C>G on the coding strand, the complement: KCNH5 is on the minus strand). VCF-style: chr14-63006448-G-C. GRCh37 (hg19) VCF-style: chr14-63473166-G-C.
Other names: c.222C>G, p.Asp74Glu (NM_172375.3); short protein forms D74E.
Identifiers: ClinVar variation 4975741 (VCV004975741.1).
Genomic context (GRCh38, chr14:63,006,448, plus strand): 5'-TTCAAAGCAGTTTGATTCGTAGTTGTCAAAAGTTTGCCTGACTTTCTCAATGGTCTTCTT[G>C]TCAGTCAATTCCCCATACATAAAACTGGGGGGGAAAAAAAACAAACAATCGATTTCACTT-3'
Protein context (NP_647479.2, residues 64-84): TCSFMYGELT[Asp74Glu]KKTIEKVRQT

ClinVar aggregate classification (germline): Uncertain significance (1 of 4 stars; one submission).

Submission:

GeneDx
Classification: Uncertain significance. Last evaluated: 2026-01-30. Review status: criteria provided, single submitter. Criteria: GeneDx Variant Classification Process June 2021. Collection method: clinical testing. Allele origin: germline.
Comment: Not observed at significant frequency in large population cohorts (gnomAD); In silico analysis supports that this missense variant has a deleterious effect on protein structure/function; Has not been previously published as pathogenic or benign to our knowledge